The following is an entry in ClinVar:

ClinVar aggregate classification (germline): Uncertain significance. Review status: criteria provided, multiple submitters, no conflicts (2 of 4 stars). 2 submissions from 2 submitters: Uncertain significance (2). Last evaluated 2025-11-06.

Allele frequency attached by ClinVar (database versions not stated): gnomAD 0.00016; TOPMed 0.00019; ExAC 0.00023; ESP Exome Variant Server 0.00023.
gnomAD v4.1: 635 of 1,598,436 alleles (0.04%); highest among the groups gnomAD compares: Non-Finnish European, 0.051%; no homozygotes.

Submissions (2):

Labcorp Genetics (formerly Invitae), Labcorp
Classification: Uncertain significance. Last evaluated: 2025-11-06. Review status: criteria provided, single submitter. Criteria: Invitae Variant Classification Sherloc (09022015). Collection method: clinical testing. Allele origin: germline.
Comment: This sequence change replaces arginine, which is basic and polar, with histidine, which is basic and polar, at codon 812 of the SLIT2 protein (p.Arg812His). This variant is present in population databases (rs149231040, gnomAD 0.04%). This variant has not been reported in the literature in individuals affected with SLIT2-related conditions. ClinVar contains an entry for this variant (Variation ID: 2055988). An algorithm developed to predict the effect of missense changes on protein structure and function (PolyPhen-2) suggests that this variant is likely to be disruptive. In summary, the available evidence is currently insufficient to determine the role of this variant in disease. Therefore, it has been classified as a Variant of Uncertain Significance.

Ambry Genetics
Classification: Uncertain significance. Last evaluated: 2024-11-15. Review status: criteria provided, single submitter. Criteria: Ambry Variant Classification Scheme 2023. Collection method: clinical testing. Allele origin: germline.

NM_004787.4(SLIT2):c.2435G>A (p.Arg812His)

Gene: SLIT2 (slit guidance ligand 2; plus strand). Cytogenetic location: 4p15.31.
Variant type: single nucleotide variant.
Coding change: c.2435G>A on transcript NM_004787.4 (MANE Select); coding-DNA position 2435, G replaced by A.
Protein change: p.Arg812His; replaces arginine 812 with histidine.
Molecular consequence: missense variant.
Genome position (GRCh38, 1-based): chr4:20,549,074, G>A. VCF-style: chr4-20549074-G-A. GRCh37 (hg19) VCF-style: chr4-20550697-G-A.
Other names: c.2423G>A, p.Arg808His (NM_001289135.3); c.2411G>A, p.Arg804His (NM_001289136.3); short protein forms R808H, R812H, R804H.
Identifiers: ClinVar variation 2055988 (VCV002055988.6), dbSNP rs149231040, ClinGen allele CA2871801.
Genomic context (GRCh38, chr4:20,549,074, plus strand): 5'-TTGGATTTCTGAATAAAACAAATTGACATATGTATGCTTTCAGAATTCTTAGTTACAACC[G>A]TCTGAGATGTATTCCTCCTCGCACCTTTGATGGATTAAAGTCTCTTCGATTACTGTAAGC-3'
Protein context (NP_004778.1, residues 802-822): QLLTLILSYN[Arg812His]LRCIPPRTFD